The following is an entry in ClinVar:

NC_000021.8:g.(?_47552332)_(47557196_?)del

Genes: COL6A2 (collagen type VI alpha 2 chain; plus strand), FTCD (formimidoyltransferase cyclodeaminase; minus strand). Cytogenetic location: 21q22.3.
Variant type: Deletion.
Identifiers: ClinVar variation 3248173 (VCV003248173.1).

ClinVar aggregate classification (germline): Pathogenic (1 of 4 stars; one submission).

Conditions:
Bethlem myopathy 1A. Also called: MYOPATHY, BENIGN CONGENITAL, WITH CONTRACTURES; Bethlem myopathy 1; Bethlem Muscular Dystrophy. Identifiers: Orphanet 610, MedGen CN029274, MONDO:0024530, OMIM 158810.

Submission:

Labcorp Genetics (formerly Invitae), Labcorp
Classification: Pathogenic for Bethlem myopathy 1A. Last evaluated: 2022-12-06. Review status: criteria provided, single submitter. Criteria: Invitae Variant Classification Sherloc (09022015). Collection method: clinical testing. Allele origin: unknown.
Comment: This variant disrupts a region of the COL6A2 protein in which other variant(s) (p.Tyr1002*) have been determined to be pathogenic (PMID: 29419890). This suggests that this is a clinically significant region of the protein, and that variants that disrupt it are likely to be disease-causing. This variant has not been reported in the literature in individuals affected with COL6A2-related conditions. This variant results in the deletion of part of exon 28 (c.2926_*4730del) of the COL6A2 gene. While this deletion is not anticipated to lead to nonsense mediated decay, it is expected to alter mRNA translation or result in a truncated protein product. For these reasons, this variant has been classified as Pathogenic.

Literature cited by the submitters: PubMed 29419890.